The following is an entry in ClinVar:

NM_002474.3(MYH11):c.411G>C (p.Lys137Asn)

Gene: MYH11 (myosin heavy chain 11; minus strand). Cytogenetic location: 16p13.11.
Variant type: single nucleotide variant.
Coding change: c.411G>C on transcript NM_002474.3 (MANE Select); coding-DNA position 411, G replaced by C.
Protein change: p.Lys137Asn; replaces lysine 137 with asparagine.
Molecular consequence: missense variant.
Genome position (GRCh38, 1-based): chr16:15,823,346, C>G on the plus strand (G>C on the coding strand, the complement: MYH11 is on the minus strand). VCF-style: chr16-15823346-C-G. GRCh37 (hg19) VCF-style: chr16-15917203-C-G.
Other names: c.411G>C, p.Lys137Asn (NM_001040113.2, NM_001040114.2, NM_022844.3); short protein forms K137N.
Identifiers: ClinVar variation 3070127 (VCV003070127.1), dbSNP rs1425599394, ClinGen allele CA394882519.

ClinVar aggregate classification (germline): Uncertain significance (1 of 4 stars; one submission).

Conditions:
Familial thoracic aortic aneurysm and aortic dissection (TAAD). Also called: Thoracic aortic aneurysms and dissections. Identifiers: Orphanet 91387, MedGen C4707243, MONDO:0019625.

Allele frequency attached by ClinVar (database versions not stated): gnomAD exomes below 0.00001; gnomAD 0.00001.
gnomAD v4.1: 2 of 1,614,084 alleles (0.00012%); highest among the groups gnomAD compares: Non-Finnish European, 0.00017%; no homozygotes.

Submission:

All of Us Research Program, National Institutes of Health
Classification: Uncertain significance for Familial thoracic aortic aneurysm and aortic dissection. Last evaluated: 2023-04-03. Review status: criteria provided, single submitter. Criteria: ACMG Guidelines, 2015. Collection method: clinical testing. Allele origin: germline. Inheritance: Autosomal dominant inheritance. Observed: 1 variant allele, 1 heterozygote.
Comment: This missense variant replaces lysine with asparagine at codon 137 of the MYH11 protein. Computational prediction suggests that this variant may not impact protein structure and function (internally defined REVEL score threshold <= 0.5, PMID: 27666373). To our knowledge, functional studies have not been reported for this variant. This variant has not been reported in individuals affected with MYH11-related disorders in the literature. This variant has been identified in 1/31402 chromosomes in the general population by the Genome Aggregation Database (gnomAD). The available evidence is insufficient to determine the role of this variant in disease conclusively. Therefore, this variant is classified as a Variant of Uncertain Significance.

This study involves interpretation of variants in research participants for the purpose of population health screening. Participant phenotype was not available at the time of variant classification. Additional details can be found in publication PMID: 35346344, PMCID: PMC8962531